The following is an entry in ClinVar:

NM_015102.5(NPHP4):c.2241_2242delinsAA (p.Gln748Lys)

Gene: NPHP4 (nephrocystin 4; minus strand). Cytogenetic location: 1p36.31.
Variant type: Indel.
Coding change: c.2241_2242delinsAA on transcript NM_015102.5 (MANE Select); coding-DNA positions 2241 to 2242, GC replaced by AA.
Protein change: p.Gln748Lys; replaces glutamine 748 with lysine.
Molecular consequence: missense variant. On other transcripts: non-coding transcript variant (1).
Genome position (GRCh38, 1-based): chr1:5,890,930-5,890,931, GC replaced by TT on the plus strand (GC replaced by AA on the coding strand, the reverse complement: NPHP4 is on the minus strand). VCF-style: chr1-5890930-GC-TT. GRCh37 (hg19) VCF-style: chr1-5950990-GC-TT.
Other names: c.702_703delinsAA, p.Gln235Lys (NM_001291593.2); c.705_706delinsAA, p.Gln236Lys (NM_001291594.2); short protein forms Q235K, Q748K, Q236K.
Identifiers: ClinVar variation 1466142 (VCV001466142.9), dbSNP rs2100920979, ClinGen allele CA2573132136.

ClinVar aggregate classification (germline): Uncertain significance. Review status: criteria provided, multiple submitters, no conflicts (2 of 4 stars). 2 submissions from 2 submitters: Uncertain significance (2). Last evaluated 2024-05-06.

Conditions:
Nephronophthisis. Also called: Juvenile Nephronophthisis. Identifiers: Orphanet 655, MedGen C0687120, MONDO:0019005, HP:0000090.
Senior-Loken syndrome 4 (SLSN4). Identifiers: Orphanet 3156, MedGen C1846979, MONDO:0011756, OMIM 606996.
Nephronophthisis 4 (NPHP4). Also called: NEPHRONOPHTHISIS 4, JUVENILE. Identifiers: Orphanet 655, MedGen C1847013, MONDO:0011752, OMIM 606966.

Submissions (2):

Labcorp Genetics (formerly Invitae), Labcorp
Classification: Uncertain significance for Nephronophthisis. Last evaluated: 2024-05-06. Review status: criteria provided, single submitter. Criteria: Invitae Variant Classification Sherloc (09022015). Collection method: clinical testing. Allele origin: germline.
Comment: This sequence change replaces glutamine, which is neutral and polar, with lysine, which is basic and polar, at codon 748 of the NPHP4 protein (p.Gln748Lys). Information on the frequency of this variant in the gnomAD database is not available, as this variant may be reported differently in the database. This variant has not been reported in the literature in individuals affected with NPHP4-related conditions. ClinVar contains an entry for this variant (Variation ID: 1466142). Experimental studies and prediction algorithms are not available or were not evaluated, and the functional significance of this variant is currently unknown. In summary, the available evidence is currently insufficient to determine the role of this variant in disease. Therefore, it has been classified as a Variant of Uncertain Significance.

Fulgent Genetics
Classification: Uncertain significance for Nephronophthisis 4; Senior-Loken syndrome 4. Last evaluated: 2022-04-30. Review status: criteria provided, single submitter. Criteria: ACMG Guidelines, 2015. Collection method: clinical testing. Allele origin: unknown.